The following is an entry in ClinVar:

NM_152309.3(PIK3AP1):c.1568C>G (p.Ser523Cys)

Gene: PIK3AP1 (phosphoinositide-3-kinase adaptor protein 1; minus strand). Cytogenetic location: 10q24.1.
Variant type: single nucleotide variant.
Coding change: c.1568C>G on transcript NM_152309.3 (MANE Select); coding-DNA position 1568, C replaced by G.
Protein change: p.Ser523Cys; replaces serine 523 with cysteine.
Molecular consequence: missense variant.
Genome position (GRCh38, 1-based): chr10:96,626,809, G>C on the plus strand (C>G on the coding strand, the complement: PIK3AP1 is on the minus strand). VCF-style: chr10-96626809-G-C. GRCh37 (hg19) VCF-style: chr10-98386566-G-C.
Other names: short protein forms S523C.
Identifiers: ClinVar variation 4752645 (VCV004752645.1).

ClinVar aggregate classification (germline): Uncertain significance (1 of 4 stars; one submission).

Conditions:
Infantile spasms. Also called: Infantile spasm. Identifiers: MedGen C3887898, HP:0012469.

gnomAD v4.1: 13 of 1,614,090 alleles (0.00081%); highest among the groups gnomAD compares: Non-Finnish European, 0.0011%; no homozygotes.

Submission:

Labcorp Genetics (formerly Invitae), Labcorp
Classification: Uncertain significance for Infantile spasms. Last evaluated: 2026-01-26. Review status: criteria provided, single submitter. Criteria: Invitae Variant Classification Sherloc (09022015). Collection method: clinical testing. Allele origin: germline.
Comment: This sequence change replaces serine, which is neutral and polar, with cysteine, which is neutral and slightly polar, at codon 523 of the PIK3AP1 protein (p.Ser523Cys). The frequency data for this variant in the population databases is considered unreliable, as metrics indicate poor data quality at this position in the gnomAD database. This variant has not been reported in the literature in individuals affected with PIK3AP1-related conditions. An algorithm developed to predict the effect of missense changes on protein structure and function outputs the following: PolyPhen-2: "Benign". The cysteine amino acid residue is found in multiple mammalian species, which suggests that this missense change does not adversely affect protein function. In summary, the available evidence is currently insufficient to determine the role of this variant in disease. Therefore, it has been classified as a Variant of Uncertain Significance.